The following is an entry in ClinVar:

ClinVar aggregate classification (germline): Benign. Review status: criteria provided, multiple submitters, no conflicts (2 of 4 stars). 2 submissions from 2 submitters: Benign (2). Last evaluated 2026-01-19.

Allele frequency attached by ClinVar (database versions not stated): 1000 Genomes Project 0.00899; gnomAD 0.00917; 1000 Genomes Project 30x 0.00937; TOPMed 0.01130; ESP Exome Variant Server 0.01299.
gnomAD v4.1: 2,991 of 1,614,124 alleles (0.19%); highest among the groups gnomAD compares: African/African-American, 3.3%; 47 homozygotes.

Submissions (2):

Labcorp Genetics (formerly Invitae), Labcorp
Classification: Benign. Last evaluated: 2026-01-19. Review status: criteria provided, single submitter. Criteria: Invitae Variant Classification Sherloc (09022015). Collection method: clinical testing. Allele origin: germline.

GeneDx
Classification: Benign. Last evaluated: 2016-07-25. Review status: criteria provided, single submitter. Criteria: GeneDx Variant Classification (06012015). Collection method: clinical testing. Allele origin: germline. Affected: yes.
Comment: This variant is considered likely benign or benign based on one or more of the following criteria: it is a conservative change, it occurs at a poorly conserved position in the protein, it is predicted to be benign by multiple in silico algorithms, and/or has population frequency not consistent with disease.

NM_018341.3(ERMARD):c.257C>A (p.Thr86Asn)

Gene: ERMARD (ER membrane associated RNA degradation; plus strand). Cytogenetic location: 6q27.
Variant type: single nucleotide variant.
Coding change: c.257C>A on transcript NM_018341.3 (MANE Select); coding-DNA position 257, C replaced by A.
Protein change: p.Thr86Asn; replaces threonine 86 with asparagine.
Molecular consequence: missense variant. On other transcripts: 5 prime UTR variant (1).
Genome position (GRCh38, 1-based): chr6:169,755,364, C>A. VCF-style: chr6-169755364-C-A. GRCh37 (hg19) VCF-style: chr6-170155460-C-A.
Other names: c.257C>A, p.Thr86Asn (NM_001278531.2, NM_001278533.2); c.-122C>A (NM_001278532.2); short protein forms T86N.
Identifiers: ClinVar variation 386574 (VCV000386574.11), dbSNP rs61735516, ClinGen allele CA4105777.